The following is an entry in ClinVar:

ClinVar aggregate classification (germline): Likely benign (0 of 4 stars; one submission).

Conditions:
QRICH2-related disorder. Also called: QRICH2-related condition.

Allele frequency attached by ClinVar (database versions not stated): 1000 Genomes Project 0.00020; 1000 Genomes Project 30x 0.00031; ExAC 0.00042; ESP Exome Variant Server 0.00062; gnomAD 0.00064; TOPMed 0.00082; gnomAD exomes 0.00091.
gnomAD v4.1: 1,450 of 1,613,428 alleles (0.09%); highest among the groups gnomAD compares: Non-Finnish European, 0.11%; 2 homozygotes.

Submission:

PreventionGenetics, part of Exact Sciences
Classification: Likely benign for QRICH2-related condition. Last evaluated: 2019-06-19. Review status: no assertion criteria provided. Collection method: clinical testing. Allele origin: germline.
Comment: This variant is classified as likely benign based on ACMG/AMP sequence variant interpretation guidelines (Richards et al. 2015 PMID: 25741868, with internal and published modifications).

NM_001388453.1(QRICH2):c.4986C>T (p.Arg1662=)

Gene: QRICH2 (glutamine rich 2; minus strand). Cytogenetic location: 17q25.1.
Variant type: single nucleotide variant.
Coding change: c.4986C>T on transcript NM_001388453.1 (MANE Select); coding-DNA position 4986, C replaced by T.
Protein change: p.Arg1662=; no amino-acid change (arginine 1662 retained).
Molecular consequence: synonymous variant. On other transcripts: non-coding transcript variant (1).
Genome position (GRCh38, 1-based): chr17:76,278,120, G>A on the plus strand (C>T on the coding strand, the complement: QRICH2 is on the minus strand). VCF-style: chr17-76278120-G-A. GRCh37 (hg19) VCF-style: chr17-74274201-G-A.
Other names: c.4986C>T, p.Arg1662= (NM_032134.3).
Identifiers: ClinVar variation 3037452 (VCV003037452.2), dbSNP rs150906638, ClinGen allele CA8783282.